The following is an entry in ClinVar:

ClinVar aggregate classification (germline): Conflicting classifications of pathogenicity. Review status: criteria provided, conflicting classifications (1 of 4 stars). 3 submissions from 3 submitters: Likely pathogenic (1); Uncertain significance (2). Last evaluated 2024-01-03.

Conditions:
Mitochondrial trifunctional protein deficiency. Identifiers: Orphanet 746, MedGen C1969443, MONDO:0012172.

Allele frequency attached by ClinVar (database versions not stated): ExAC 0.00002; gnomAD exomes 0.00002 and 0.00003; gnomAD 0.00003 and 0.00004; TOPMed 0.00003; ESP Exome Variant Server 0.00015.

Submissions (3):

GeneDx
Classification: Likely pathogenic. Last evaluated: 2024-01-03. Review status: criteria provided, single submitter. Criteria: GeneDx Variant Classification Process June 2021. Collection method: clinical testing. Allele origin: germline. Affected: yes.
Comment: Not observed at significant frequency in large population cohorts (gnomAD); In silico analysis supports that this missense variant has a deleterious effect on protein structure/function; This variant is associated with the following publications: (PMID: 34317416, 33638202)

Labcorp Genetics (formerly Invitae), Labcorp
Classification: Uncertain significance for Mitochondrial trifunctional protein deficiency. Last evaluated: 2022-07-12. Review status: criteria provided, single submitter. Criteria: Invitae Variant Classification Sherloc (09022015). Collection method: clinical testing. Allele origin: germline.
Comment: This sequence change replaces aspartic acid, which is acidic and polar, with valine, which is neutral and non-polar, at codon 372 of the HADHB protein (p.Asp372Val). This variant is present in population databases (rs374840025, gnomAD 0.004%). This variant has not been reported in the literature in individuals affected with HADHB-related conditions. ClinVar contains an entry for this variant (Variation ID: 849588). Algorithms developed to predict the effect of missense changes on protein structure and function (SIFT, PolyPhen-2, Align-GVGD) all suggest that this variant is likely to be disruptive. In summary, the available evidence is currently insufficient to determine the role of this variant in disease. Therefore, it has been classified as a Variant of Uncertain Significance.

Mayo Clinic Laboratories, Mayo Clinic
Classification: Uncertain significance. Last evaluated: 2021-03-02. Review status: criteria provided, single submitter. Criteria: ACMG Guidelines, 2015. Collection method: clinical testing. Allele origin: germline. Observed: 1 variant allele.

NM_000183.3(HADHB):c.1115A>T (p.Asp372Val)

Gene: HADHB (hydroxyacyl-CoA dehydrogenase trifunctional multienzyme complex subunit beta; plus strand). Cytogenetic location: 2p23.3.
Variant type: single nucleotide variant.
Coding change: c.1115A>T on transcript NM_000183.3 (MANE Select); coding-DNA position 1115, A replaced by T.
Protein change: p.Asp372Val; replaces aspartic acid 372 with valine.
Molecular consequence: missense variant.
Genome position (GRCh38, 1-based): chr2:26,284,170, A>T. VCF-style: chr2-26284170-A-T. GRCh37 (hg19) VCF-style: chr2-26507038-A-T.
Other names: c.1070A>T, p.Asp357Val (NM_001281512.2); c.1049A>T, p.Asp350Val (NM_001281513.2); short protein forms D357V, D372V, D350V.
Identifiers: ClinVar variation 849588 (VCV000849588.14), dbSNP rs374840025, ClinGen allele CA1560453.